The following is an entry in ClinVar:

ClinVar aggregate classification (germline): Pathogenic (1 of 4 stars; one submission).

Conditions:
Telangiectasia, hereditary hemorrhagic, type 2 (HHT2). Also called: ACVRL1-Related Hereditary Hemorrhagic Telangiectasia; Telangiectasia, hereditary hemorrhagic, type II. Identifiers: Orphanet 774, MedGen C1838163, MONDO:0010880, OMIM 600376. Disease mechanism: loss of function.

Submission:

Labcorp Genetics (formerly Invitae), Labcorp
Classification: Pathogenic for Telangiectasia, hereditary hemorrhagic, type 2. Last evaluated: 2023-01-25. Review status: criteria provided, single submitter. Criteria: Invitae Variant Classification Sherloc (09022015). Collection method: clinical testing. Allele origin: germline.
Comment: This sequence change creates a premature translational stop signal (p.His280Alafs*110) in the ACVRL1 gene. It is expected to result in an absent or disrupted protein product. Loss-of-function variants in ACVRL1 are known to be pathogenic (PMID: 15879500). For these reasons, this variant has been classified as Pathogenic. This variant has not been reported in the literature in individuals affected with ACVRL1-related conditions. This variant is not present in population databases (gnomAD no frequency).

Literature cited by the submitters: PubMed 15879500.

NM_000020.3(ACVRL1):c.838_842del (p.His280fs)

Gene: ACVRL1 (activin A receptor like type 1; plus strand). Cytogenetic location: 12q13.13.
Variant type: Deletion.
Coding change: c.838_842del on transcript NM_000020.3 (MANE Select); coding-DNA positions 838 to 842, 5 bases deleted (CACGA; older notation c.838_842delCACGA).
Protein change: p.His280fs; shifts the reading frame from histidine 280.
Molecular consequence: frameshift variant.
Genome position (GRCh38, 1-based): chr12:51,915,290-51,915,294, CACGA deleted. VCF-style (leftmost placement, unchanged base first): chr12-51915289-CCACGA-C. GRCh37 (hg19) VCF-style: chr12-52309073-CCACGA-C.
Other names: c.838_842del, p.His280fs (NM_001077401.2); c.838_842delCACGA, p.His280Alafs (NM_001406487.1, NM_001406488.1, NM_001406489.1); c.526_530delCACGA, p.His176Alafs (NM_001406490.1, NM_001406491.1, NM_001406492.1 and 2 more transcripts); c.274_278delCACGA, p.His92Alafs (NM_001406495.1); short protein forms H280fs.
Identifiers: ClinVar variation 2030830 (VCV002030830.4), dbSNP rs2540164230, ClinGen allele CA2580086477.